The following is an entry in ClinVar:

NM_024675.4(PALB2):c.2834G>A (p.Arg945Lys)

Gene: PALB2 (partner and localizer of BRCA2; minus strand). Cytogenetic location: 16p12.2.
Variant type: single nucleotide variant.
Coding change: c.2834G>A on transcript NM_024675.4 (MANE Select); coding-DNA position 2834, G replaced by A.
Protein change: p.Arg945Lys; replaces arginine 945 with lysine.
Molecular consequence: missense variant.
Genome position (GRCh38, 1-based): chr16:23,624,009, C>T on the plus strand (G>A on the coding strand, the complement: PALB2 is on the minus strand). VCF-style: chr16-23624009-C-T. GRCh37 (hg19) VCF-style: chr16-23635330-C-T.
Other names: short protein forms R945K.
Identifiers: ClinVar variation 1691948 (VCV001691948.1), dbSNP rs1966823330, ClinGen allele CA395144768.
Genomic context (GRCh38, chr16:23,624,009, plus strand): 5'-AAACCAGCTGACAGAGACAAAGATGAAGGAAAAACAAATCACTCCTTGGGAATTACATAC[C>T]TGATCTCTCTGATTTCCAAATTTCCCAAAGCTACACACACGAGATTATACACATCAGGCA-3'
Protein context (NP_078951.2, residues 935-955): ALGNLEIREI[Arg945Lys]ALFCSSDDES

ClinVar aggregate classification (germline): Uncertain significance (1 of 4 stars; one submission).

Conditions:
Hereditary cancer-predisposing syndrome. Also called: Hereditary Cancer Syndrome; Hereditary neoplastic syndrome; Neoplastic Syndromes, Hereditary; Tumor predisposition. Identifiers: Orphanet 140162, MedGen C0027672, MeSH D009386, MONDO:0015356.

Submission:

Sema4
Classification: Uncertain significance for Hereditary cancer-predisposing syndrome. Last evaluated: 2021-11-23. Review status: criteria provided, single submitter. Criteria: Sema4 Curation Guidelines. Collection method: curation. Allele origin: germline.
Comment: The PALB2 c.2834G>A (p.R945K) variant has not been reported in literature to our knowledge. It was not observed in the large and broad cohorts of the Genome Aggregation Database (PMID: 32461654). The variant has not been reported in ClinVar. In silico tools suggest the impact of the variant on protein function is benign, though these predictions have not been confirmed by functional studies. This variant is located in the last base pair of the exon. The algorithms developed to predict the effect of sequence changes on RNA splicing suggest that the variant may have an impact on splicing, though these predictions have not been confirmed by transcriptional studies. The evidence is insufficient to meet ACMG/AMP criteria for classifying the variant as benign or pathogenic. Thus, the clinical significance of this variant is currently uncertain.